The following is an entry in ClinVar:

ClinVar aggregate classification (germline): Uncertain significance. Review status: criteria provided, multiple submitters, no conflicts (2 of 4 stars). 2 submissions from 2 submitters: Uncertain significance (2). Last evaluated 2024-03-12.

Conditions:
Glanzmann thrombasthenia. Also called: BLEEDING DISORDER, PLATELET-TYPE, 2; THROMBASTHENIA OF GLANZMANN AND NAEGELI; Thrombasthenia; PLATELET GLYCOPROTEIN IIb-IIIa DEFICIENCY; Glanzmann's thrombasthenia. Identifiers: Orphanet 849, MedGen C0040015, MONDO:0100326.

gnomAD v4.1: 28 of 1,613,600 alleles (0.0017%); highest among the groups gnomAD compares: Non-Finnish European, 0.0023%; no homozygotes.

Submissions (2):

Labcorp Genetics (formerly Invitae), Labcorp
Classification: Uncertain significance for Glanzmann thrombasthenia. Last evaluated: 2024-03-12. Review status: criteria provided, single submitter. Criteria: Invitae Variant Classification Sherloc (09022015). Collection method: clinical testing. Allele origin: germline.
Comment: This sequence change replaces histidine, which is basic and polar, with asparagine, which is neutral and polar, at codon 577 of the ITGA2B protein (p.His577Asn). This variant is present in population databases (rs761298889, gnomAD 0.004%). This variant has not been reported in the literature in individuals affected with ITGA2B-related conditions. ClinVar contains an entry for this variant (Variation ID: 2175897). Advanced modeling of protein sequence and biophysical properties (such as structural, functional, and spatial information, amino acid conservation, physicochemical variation, residue mobility, and thermodynamic stability) performed at Invitae indicates that this missense variant is not expected to disrupt ITGA2B protein function with a negative predictive value of 80%. In summary, the available evidence is currently insufficient to determine the role of this variant in disease. Therefore, it has been classified as a Variant of Uncertain Significance.

Women's Health and Genetics/Laboratory Corporation of America, LabCorp
Classification: Uncertain significance. Last evaluated: 2023-11-10. Review status: criteria provided, single submitter. Criteria: LabCorp Variant Classification Summary - May 2015. Collection method: clinical testing. Allele origin: germline.
Comment: Variant summary: ITGA2B c.1729C>A (p.His577Asn) results in a conservative amino acid change located in the Integrin alpha, first immunoglubulin-like domain (IPR013649) of the encoded protein sequence. Five of five in-silico tools predict a benign effect of the variant on protein function. The variant allele was found at a frequency of 2e-05 in 250708 control chromosomes. The available data on variant occurrences in the general population are insufficient to allow any conclusion about variant significance. To our knowledge, no occurrence of c.1729C>A in individuals affected with ITGA2B-Related Disorders and no experimental evidence demonstrating its impact on protein function have been reported. One submitter has cited clinical-significance assessments for this variant to ClinVar after 2014 and has classified the variant as uncertain significance. Based on the evidence outlined above, the variant was classified as uncertain significance.

NM_000419.5(ITGA2B):c.1729C>A (p.His577Asn)

Gene: ITGA2B (integrin subunit alpha 2b; minus strand). Cytogenetic location: 17q21.31.
Variant type: single nucleotide variant.
Coding change: c.1729C>A on transcript NM_000419.5 (MANE Select); coding-DNA position 1729, C replaced by A.
Protein change: p.His577Asn; replaces histidine 577 with asparagine.
Molecular consequence: missense variant.
Genome position (GRCh38, 1-based): chr17:44,380,025, G>T on the plus strand (C>A on the coding strand, the complement: ITGA2B is on the minus strand). VCF-style: chr17-44380025-G-T. GRCh37 (hg19) VCF-style: chr17-42457393-G-T.
Other names: short protein forms H577N.
Identifiers: ClinVar variation 2175897 (VCV002175897.5), dbSNP rs761298889, ClinGen allele CA8602974.